The following is an entry in ClinVar:

ClinVar aggregate classification (germline): Likely pathogenic (1 of 4 stars; one submission).

Conditions:
WDFY3-related disorder.

Submission:

3billion
Classification: Likely pathogenic for WDFY3-related disorder. Last evaluated: 2025-12-26. Review status: criteria provided, single submitter. Criteria: ACMG Guidelines, 2015. Collection method: clinical testing. Allele origin: germline. Affected: yes.
Comment: The variant is not observed in the gnomAD v4.1.0 dataset. Predicted Consequence/Location: Frameshift: predicted to result in a loss or disruption of normal protein function through nonsense-mediated decay (NMD) or protein truncation. Multiple pathogenic variants are reported downstream of the variant. Therefore, this variant is classified as Likely pathogenic according to the recommendation of ACMG/AMP guideline.

NM_014991.6(WDFY3):c.4050dup (p.Ile1351fs)

Gene: WDFY3 (WD repeat and FYVE domain containing 3; minus strand). Cytogenetic location: 4q21.23.
Variant type: Duplication.
Coding change: c.4050dup on transcript NM_014991.6 (MANE Select); coding-DNA position 4050, one base duplicated (C; older notation c.4050dupC).
Protein change: p.Ile1351fs; shifts the reading frame from isoleucine 1351.
Molecular consequence: frameshift variant.
Genome position (GRCh38, 1-based): chr4:84,785,991, G duplicated on the plus strand (C on the coding strand, the reverse complement: WDFY3 is on the minus strand); the first of 2 consecutive G bases (chr4:84,785,991-84,785,992); duplicating either gives the same sequence. VCF-style (leftmost placement, unchanged base first): chr4-84785990-T-TG. GRCh37 (hg19) VCF-style: chr4-85707143-T-TG.
Other names: short protein forms I1351fs.
Identifiers: ClinVar variation 4855745 (VCV004855745.1).